The following is an entry in ClinVar:

ClinVar aggregate classification (germline): Pathogenic/Likely pathogenic. Review status: criteria provided, multiple submitters, no conflicts (2 of 4 stars). 2 submissions from 2 submitters: Pathogenic (1); Likely pathogenic (1). Last evaluated 2026-08-17.

Conditions:
Ataxia-telangiectasia syndrome (AT). Also called: LOUIS-BAR SYNDROME; Cerebello-oculocutaneous telangiectasia; Immunodeficiency with ataxia telangiectasia; Ataxia-telangiectasia, complementation group D; AT, COMPLEMENTATION GROUP C; ATAXIA-TELANGIECTASIA, COMPLEMENTATION GROUP A. Identifiers: Orphanet 100, MedGen C0004135, MONDO:0008840, OMIM 208900.
Hereditary cancer-predisposing syndrome. Also called: Neoplastic Syndromes, Hereditary; Tumor predisposition; Hereditary Cancer Syndrome; Hereditary neoplastic syndrome. Identifiers: Orphanet 140162, MedGen C0027672, MeSH D009386, MONDO:0015356.

Submissions (2):

Ambry Genetics
Classification: Pathogenic for Hereditary cancer-predisposing syndrome. Last evaluated: 2026-08-17. Review status: criteria provided, single submitter. Criteria: Ambry Variant Classification Scheme 2023. Collection method: clinical testing. Allele origin: germline.
Comment: The c.183dupT pathogenic mutation, located in coding exon 2 of the ATM gene, results from a duplication of T at nucleotide position 183, causing a translational frameshift with a predicted alternate stop codon (p.R62*). This variant is considered to be rare based on population cohorts in the Genome Aggregation Database (gnomAD). This alteration is expected to result in loss of function by premature protein truncation or nonsense-mediated mRNA decay. As such, this alteration is interpreted as a disease-causing mutation.

Natera, Inc.
Classification: Likely pathogenic for Ataxia-telangiectasia. Last evaluated: 2025-05-26. Review status: criteria provided, single submitter. Criteria: Natera Variant Classification Schema (03/2026). Collection method: clinical testing. Allele origin: germline.
Comment: The c.183dup variant in ATM is a frameshift variant predicted to shift the reading frame and introduce a stop codon. This variant is expected to result in nonsense mediated decay, truncation, or a dysfunctional protein product. This variant is rare in the general population with a frequency below the threshold expected for the associated phenotype(s). Given the available evidence, this variant is classified as Likely Pathogenic.

NM_000051.4(ATM):c.183dup (p.Arg62Ter)

Gene: ATM (ATM serine/threonine kinase; plus strand). Cytogenetic location: 11q22.3.
Variant type: Duplication.
Coding change: c.183dup on transcript NM_000051.4 (MANE Select); coding-DNA position 183, one base duplicated (T; older notation c.183dupT).
Protein change: p.Arg62Ter; replaces arginine 62 with a stop codon.
Molecular consequence: nonsense.
Genome position (GRCh38, 1-based): chr11:108,227,886, T duplicated; the last of 5 consecutive T bases (chr11:108,227,882-108,227,886); duplicating any one gives the same sequence. VCF-style (leftmost placement, unchanged base first): chr11-108227881-G-GT. GRCh37 (hg19) VCF-style: chr11-108098608-G-GT.
Other names: c.183dupT (NM_000051.3); c.183dup, p.Arg62Ter (NM_001351834.2, NM_001351835.2, NM_001351836.2); short protein forms R62*.
Identifiers: ClinVar variation 4062867 (VCV004062867.3).